The following is an entry in ClinVar:

NM_014915.3(ANKRD26):c.2435T>A (p.Ile812Asn)

Gene: ANKRD26 (ankyrin repeat domain 26; minus strand). Cytogenetic location: 10p12.1.
Variant type: single nucleotide variant.
Coding change: c.2435T>A on transcript NM_014915.3 (MANE Select); coding-DNA position 2435, T replaced by A.
Protein change: p.Ile812Asn; replaces isoleucine 812 with asparagine.
Molecular consequence: missense variant.
Genome position (GRCh38, 1-based): chr10:27,037,995, A>T on the plus strand (T>A on the coding strand, the complement: ANKRD26 is on the minus strand). VCF-style: chr10-27037995-A-T. GRCh37 (hg19) VCF-style: chr10-27326924-A-T.
Other names: p.Ile812Asn; c.2432T>A, p.Ile811Asn (NM_001256053.2); short protein forms I812N, I811N.
Identifiers: ClinVar variation 3397617 (VCV003397617.3).

ClinVar aggregate classification (germline): Uncertain significance. Review status: criteria provided, multiple submitters, no conflicts (2 of 4 stars). 2 submissions from 2 submitters: Uncertain significance (2). Last evaluated 2025-01-14.

Conditions:
Inborn genetic diseases. Identifiers: MedGen C0950123, MeSH D030342.

Submissions (2):

Mayo Clinic Laboratories, Mayo Clinic
Classification: Uncertain significance. Last evaluated: 2025-01-14. Review status: criteria provided, single submitter. Criteria: ACMG Guidelines, 2015. Collection method: clinical testing. Allele origin: germline. Observed: 1 variant allele.
Comment: BP4_moderate, PM2_supporting

Ambry Genetics
Classification: Uncertain significance for Inborn genetic diseases. Last evaluated: 2025-01-09. Review status: criteria provided, single submitter. Criteria: Ambry Variant Classification Scheme 2023. Collection method: clinical testing. Allele origin: germline.
Comment: The p.I812N variant (also known as c.2435T>A), located in coding exon 22 of the ANKRD26 gene, results from a T to A substitution at nucleotide position 2435. The isoleucine at codon 812 is replaced by asparagine, an amino acid with dissimilar properties. This amino acid position is conserved. In addition, this alteration is predicted to be tolerated by in silico analysis. Based on the available evidence, the clinical significance of this variant remains unclear.